The following is an entry in ClinVar:

ClinVar aggregate classification (germline): Uncertain significance. Review status: criteria provided, multiple submitters, no conflicts (2 of 4 stars). 2 submissions from 2 submitters: Uncertain significance (2). Last evaluated 2024-03-16.

Conditions:
Primary dilated cardiomyopathy (DCM). Also called: Dilated Cardiomyopathy. Identifiers: Orphanet 217604, MedGen C0007193, MeSH D002311, MONDO:0005021, HP:0001644. Inheritance: Various modes of inheritance.
Cardiovascular phenotype. Identifiers: MedGen CN230736.

Allele frequency attached by ClinVar (database versions not stated): TOPMed 0.00001; gnomAD 0.00003 and 0.00004.
gnomAD v4.1: 5 of 1,613,194 alleles (0.00031%); highest among the groups gnomAD compares: African/African-American, 0.0067%; no homozygotes.

Submissions (2):

Labcorp Genetics (formerly Invitae), Labcorp
Classification: Uncertain significance for Primary dilated cardiomyopathy. Last evaluated: 2024-03-16. Review status: criteria provided, single submitter. Criteria: Invitae Variant Classification Sherloc (09022015). Collection method: clinical testing. Allele origin: germline.
Comment: This sequence change replaces leucine, which is neutral and non-polar, with proline, which is neutral and non-polar, at codon 459 of the TXNRD2 protein (p.Leu459Pro). This variant is present in population databases (no rsID available, gnomAD 0.01%). This variant has not been reported in the literature in individuals affected with TXNRD2-related conditions. ClinVar contains an entry for this variant (Variation ID: 846879). Advanced modeling of protein sequence and biophysical properties (such as structural, functional, and spatial information, amino acid conservation, physicochemical variation, residue mobility, and thermodynamic stability) performed at Invitae indicates that this missense variant is not expected to disrupt TXNRD2 protein function with a negative predictive value of 80%. In summary, the available evidence is currently insufficient to determine the role of this variant in disease. Therefore, it has been classified as a Variant of Uncertain Significance.

Ambry Genetics
Classification: Uncertain significance for Cardiovascular phenotype. Last evaluated: 2022-10-27. Review status: criteria provided, single submitter. Criteria: Ambry Variant Classification Scheme 2023. Collection method: clinical testing. Allele origin: germline.
Comment: The p.L459P variant (also known as c.1376T>C), located in coding exon 16 of the TXNRD2 gene, results from a T to C substitution at nucleotide position 1376. The leucine at codon 459 is replaced by proline, an amino acid with similar properties. This amino acid position is poorly conserved in available vertebrate species. In addition, this alteration is predicted to be tolerated by in silico analysis. Since supporting evidence is limited at this time, the clinical significance of this alteration remains unclear.

NM_006440.5(TXNRD2):c.1376T>C (p.Leu459Pro)

Gene: TXNRD2 (thioredoxin reductase 2; minus strand). Cytogenetic location: 22q11.21.
Variant type: single nucleotide variant.
Coding change: c.1376T>C on transcript NM_006440.5 (MANE Select); coding-DNA position 1376, T replaced by C.
Protein change: p.Leu459Pro; replaces leucine 459 with proline.
Molecular consequence: missense variant. On other transcripts: non-coding transcript variant (1).
Genome position (GRCh38, 1-based): chr22:19,878,159, A>G on the plus strand (T>C on the coding strand, the complement: TXNRD2 is on the minus strand). VCF-style: chr22-19878159-A-G. GRCh37 (hg19) VCF-style: chr22-19865682-A-G.
Other names: c.1373T>C, p.Leu458Pro (NM_001352300.2); c.1286T>C, p.Leu429Pro (NM_001352301.2); c.1088T>C, p.Leu363Pro (NM_001352302.2); short protein forms L429P, L459P, L363P, L458P.
Identifiers: ClinVar variation 846879 (VCV000846879.10), dbSNP rs776104767, ClinGen allele CA322075576.
Genomic context (GRCh38, chr22:19,878,159, plus strand): 5'-AGAGCAAATCCTTGAGTAACTTCGCCTGCGTTGGGGCCAAGGAAATGCAGGCCCAGCACC[A>G]GCTGTGGGGGCTCCCTCAGGCACACCATCTGAAAGCCGCACATCTCAGCCACCAGCCCAG-3'
Protein context (NP_006431.2, residues 449-469): KMVCLREPPQ[Leu459Pro]VLGLHFLGPN